The following is an entry in ClinVar:

ClinVar aggregate classification (germline): Uncertain significance. Review status: criteria provided, multiple submitters, no conflicts (2 of 4 stars). 2 submissions from 2 submitters: Uncertain significance (2). Last evaluated 2022-04-12.

Conditions:
Joubert syndrome. Also called: Familial aplasia of the vermis; CEREBELLOPARENCHYMAL DISORDER IV; JOUBERT-BOLTSHAUSER SYNDROME. Identifiers: Orphanet 475, MedGen C5979921, MONDO:0018772.
Orofaciodigital syndrome I (OFD1). Also called: Papillon-Leage and Psaume Syndrome; Oral-Facial-Digital Syndrome Type I; OFDS I. Identifiers: Orphanet 2750, MedGen C1510460, MONDO:0010702, OMIM 311200.
Retinitis pigmentosa 23 (RP23). Identifiers: Orphanet 791, MedGen C1419610, MONDO:0010320, OMIM 300424.
Simpson-Golabi-Behmel syndrome type 2. Identifiers: Orphanet 79022, MedGen C1846175, MONDO:0010265, OMIM 300209.
Joubert syndrome 10 (JBTS10). Identifiers: Orphanet 2754, MedGen C2749019, MONDO:0010431, OMIM 300804.

Allele frequency attached by ClinVar (database versions not stated): gnomAD exomes below 0.00001 and 0.00001; TOPMed below 0.00001.
gnomAD v4.1: 2 of 1,197,699 alleles (0.00017%); highest among the groups gnomAD compares: Admixed American, 0.0043%; no homozygotes.

Submissions (2):

Fulgent Genetics
Classification: Uncertain significance for Simpson-Golabi-Behmel syndrome type 2; Retinitis pigmentosa 23; Joubert syndrome 10; Orofaciodigital syndrome I. Last evaluated: 2022-04-12. Review status: criteria provided, single submitter. Criteria: ACMG Guidelines, 2015. Collection method: clinical testing. Allele origin: unknown.

Labcorp Genetics (formerly Invitae), Labcorp
Classification: Uncertain significance for Orofaciodigital syndrome I; Joubert syndrome. Last evaluated: 2020-02-14. Review status: criteria provided, single submitter. Criteria: Invitae Variant Classification Sherloc (09022015). Collection method: clinical testing. Allele origin: germline.
Comment: This variant has not been reported in the literature in individuals with OFD1-related conditions. This sequence change replaces glutamic acid with aspartic acid at codon 1007 of the OFD1 protein (p.Glu1007Asp). The glutamic acid residue is moderately conserved and there is a small physicochemical difference between glutamic acid and aspartic acid. This variant is not present in population databases (ExAC no frequency). Algorithms developed to predict the effect of missense changes on protein structure and function output the following: SIFT: "Tolerated"; PolyPhen-2: "Benign"; Align-GVGD: "Class C0". The aspartic acid amino acid residue is found in multiple mammalian species, suggesting that this missense change does not adversely affect protein function. These predictions have not been confirmed by published functional studies and their clinical significance is uncertain. In summary, the available evidence is currently insufficient to determine the role of this variant in disease. Therefore, it has been classified as a Variant of Uncertain Significance.

NM_003611.3(OFD1):c.3021A>T (p.Glu1007Asp)

Gene: OFD1 (OFD1 centriole and centriolar satellite protein; plus strand). Cytogenetic location: Xp22.2.
Variant type: single nucleotide variant.
Coding change: c.3021A>T on transcript NM_003611.3 (MANE Select); coding-DNA position 3021, A replaced by T.
Protein change: p.Glu1007Asp; replaces glutamic acid 1007 with aspartic acid.
Molecular consequence: missense variant.
Genome position (GRCh38, 1-based): chrX:13,769,090, A>T. VCF-style: chrX-13769090-A-T. GRCh37 (hg19) VCF-style: chrX-13787209-A-T.
Other names: c.2901A>T, p.Glu967Asp (NM_001330209.2); c.2601A>T, p.Glu867Asp (NM_001330210.2); short protein forms E1007D, E867D, E967D.
Identifiers: ClinVar variation 1045493 (VCV001045493.12), dbSNP rs1235702491, ClinGen allele CA412315644.
Genomic context (GRCh38, chrX:13,769,090, plus strand): 5'-TTTTTACATTTTAATTTTTATCTTTCCCTAATTTAGTTTAACAGGCTTTTCTCATGAAGA[A>T]CTAGACGACTCTTGGTAACCATGTTTGCTGCCCAGCTTCTAACTTACATACCGTGAGAAG-3'
Protein context (NP_003602.1, residues 997-1012): VESLTGFSHE[Glu1007Asp]LDDSW